The following is an entry in ClinVar:

ClinVar aggregate classification (germline): Conflicting classifications of pathogenicity. Review status: criteria provided, conflicting classifications (1 of 4 stars). 5 submissions from 5 submitters: Likely pathogenic (1); Uncertain significance (4). Last evaluated 2026-05-18.

Conditions:
Autosomal dominant polycystic kidney disease. Identifiers: Orphanet 730, MedGen C0085413, MONDO:0004691.
Polycystic kidney disease 2 (PKD2). Also called: Polycystic Kidney Disease 2, Autosomal Dominant; POLYCYSTIC KIDNEY DISEASE, ADULT, TYPE II; POLYCYSTIC KIDNEY DISEASE 2 WITH OR WITHOUT POLYCYSTIC LIVER DISEASE. Identifiers: MedGen C2751306, MONDO:0013131, OMIM 613095.
PKD2-related disorder. Also called: PKD2-related condition.

Allele frequency attached by ClinVar (database versions not stated): TOPMed below 0.00001.

Submissions (5):

Women's Health and Genetics/Laboratory Corporation of America, LabCorp
Classification: Uncertain significance. Last evaluated: 2026-05-18. Review status: criteria provided, single submitter. Criteria: LabCorp Variant Classification Summary - May 2015. Collection method: clinical testing. Allele origin: germline.
Comment: Variant summary: PKD2 c.1988C>T (p.Thr663Ile) results in a non-conservative amino acid change in the encoded protein sequence. Algorithms developed to predict the effect of missense changes on protein structure and function all suggest that this variant is likely to be disruptive. The variant was absent in 251010 control chromosomes. The available data on variant occurrences in the general population are insufficient to allow any conclusion about variant significance. To our knowledge, no occurrence of c.1988C>T in individuals affected with PKD2-related conditions and no experimental evidence demonstrating its impact on protein function have been reported. ClinVar contains an entry for this variant (Variation ID: 837907). Based on the evidence outlined above, the variant was classified as uncertain significance.

Labcorp Genetics (formerly Invitae), Labcorp
Classification: Uncertain significance for Autosomal dominant polycystic kidney disease. Last evaluated: 2026-01-31. Review status: criteria provided, single submitter. Criteria: Invitae Variant Classification Sherloc (09022015). Collection method: clinical testing. Allele origin: germline.
Comment: This sequence change replaces threonine, which is neutral and polar, with isoleucine, which is neutral and non-polar, at codon 663 of the PKD2 protein (p.Thr663Ile). This variant is not present in population databases (gnomAD no frequency). This variant has not been reported in the literature in individuals affected with PKD2-related conditions. ClinVar contains an entry for this variant (Variation ID: 837907). Invitae Evidence Modeling of protein sequence and biophysical properties (such as structural, functional, and spatial information, amino acid conservation, physicochemical variation, residue mobility, and thermodynamic stability) has been performed for this missense variant. However, the output from this modeling did not meet the statistical confidence thresholds required to predict the impact of this variant on PKD2 protein function. In summary, the available evidence is currently insufficient to determine the role of this variant in disease. Therefore, it has been classified as a Variant of Uncertain Significance.

PreventionGenetics, part of Exact Sciences
Classification: Uncertain significance for PKD2-related condition. Last evaluated: 2025-08-22. Review status: criteria provided, single submitter. Criteria: ACMG Guidelines, 2015. Collection method: clinical testing. Allele origin: germline.
Comment: The PKD2 c.1988C>T variant is predicted to result in the amino acid substitution p.Thr663Ile. To our knowledge, this variant has not been reported in the literature or in a large population database (gnomAD), indicating this variant is rare. The p.Thr663 residue is highly conserved during evolution. In addition, the substitutions at the flanking highly conserved codons have been reported in individuals with ADPKD, indicating this region is critical for protein function (p.Thr662Pro in Suppl. Table S5 of Carrera et al. 2016. PubMed ID: 27499327 and Xu et al. 2021. PubMed ID: 34101167; p.Phe664Ser in Audrézet et al. 2012. PubMed ID: 22508176). Although we highly suspect that the c.1988C>T (p.Thr663Ile) variant is pathogenic, at this time, the clinical significance of this variant is uncertain due to the absence of conclusive functional and genetic evidence.

Mayo Clinic Laboratories, Mayo Clinic
Classification: Uncertain significance. Last evaluated: 2024-12-24. Review status: criteria provided, single submitter. Criteria: ACMG Guidelines, 2015. Collection method: clinical testing. Allele origin: germline. Observed: 1 variant allele.
Comment: PP3, PM2_supporting

Fulgent Genetics
Classification: Likely pathogenic for Polycystic kidney disease 2. Last evaluated: 2024-05-14. Review status: criteria provided, single submitter. Criteria: ACMG Guidelines, 2015. Collection method: clinical testing. Allele origin: germline.

NM_000297.4(PKD2):c.1988C>T (p.Thr663Ile)

Gene: PKD2 (polycystin 2, transient receptor potential cation channel; plus strand). Cytogenetic location: 4q22.1.
Variant type: single nucleotide variant.
Coding change: c.1988C>T on transcript NM_000297.4 (MANE Select); coding-DNA position 1988, C replaced by T.
Protein change: p.Thr663Ile; replaces threonine 663 with isoleucine.
Molecular consequence: missense variant.
Genome position (GRCh38, 1-based): chr4:88,058,072, C>T. VCF-style: chr4-88058072-C-T. GRCh37 (hg19) VCF-style: chr4-88979224-C-T.
Other names: p.Thr663Ile; short protein forms T663I.
Identifiers: ClinVar variation 837907 (VCV000837907.16), dbSNP rs1720430638, ClinGen allele CA357623228.
Genomic context (GRCh38, chr4:88,058,072, plus strand): 5'-ATATCAACTTTGCAGAGATTGAGGAAGCTAATCGAGTTTTGGGACCAATTTATTTCACTA[C>T]ATTTGTGTTCTTTATGTTCTTCATTCTTTTGGTATGTACATTTTTATTTATAGTGAGGTT-3'
Protein context (NP_000288.1, residues 653-673): NRVLGPIYFT[Thr663Ile]FVFFMFFILL